The following is an entry in ClinVar:

NM_000384.3(APOB):c.2186G>A (p.Gly729Asp)

Gene: APOB (apolipoprotein B; minus strand). Cytogenetic location: 2p24.1.
Variant type: single nucleotide variant.
Coding change: c.2186G>A on transcript NM_000384.3 (MANE Select); coding-DNA position 2186, G replaced by A.
Protein change: p.Gly729Asp; replaces glycine 729 with aspartic acid.
Molecular consequence: missense variant.
Genome position (GRCh38, 1-based): chr2:21,026,846, C>T on the plus strand (G>A on the coding strand, the complement: APOB is on the minus strand). VCF-style: chr2-21026846-C-T. GRCh37 (hg19) VCF-style: chr2-21249718-C-T.
Other names: c.2186G>A (NM_000384.2); short protein forms G729D.
Identifiers: ClinVar variation 1427738 (VCV001427738.20), dbSNP rs761434171, ClinGen allele CA346013168.

ClinVar aggregate classification (germline): Uncertain significance. Review status: criteria provided, multiple submitters, no conflicts (2 of 4 stars). 3 submissions from 3 submitters: Uncertain significance (3). Last evaluated 2026-07-02.

Conditions:
Hypercholesterolemia, autosomal dominant, type B (FHCL2). Also called: APOB-Related Familial Hypercholesterolemia, Autosomal Dominant; Hyperlipoproteinemia Type IIb; APOLIPOPROTEIN B-100, FAMILIAL DEFECTIVE; APOLIPOPROTEIN B-100, FAMILIAL LIGAND-DEFECTIVE; Familial Hypercholesterolemia Type B; Familial hypercholesterolemia 2. Identifiers: MedGen C1704417, MONDO:0007751, OMIM 144010.
Familial hypobetalipoproteinemia 1. Also called: Hypobetalipoproteinemia, normotriglyceridemic; Acanthocytosis with hypobetalipoproteinemia; APOB-Related Familial Hypobetalipoproteinemia. Identifiers: MedGen C4551990, MONDO:0014252, OMIM 615558.
Cardiovascular phenotype. Identifiers: MedGen CN230736.

Submissions (3):

Ambry Genetics
Classification: Uncertain significance for Cardiovascular phenotype. Last evaluated: 2026-07-02. Review status: criteria provided, single submitter. Criteria: Ambry Variant Classification Scheme 2023. Collection method: clinical testing. Allele origin: germline.
Comment: The p.G729D variant (also known as c.2186G>A), located in coding exon 15 of the APOB gene, results from a G to A substitution at nucleotide position 2186. The glycine at codon 729 is replaced by aspartic acid, an amino acid with similar properties. This amino acid position is conserved. In addition, this alteration is predicted to be tolerated by in silico analysis. Based on the available evidence, the clinical significance of this variant remains unclear.

CeGaT Center for Human Genetics Tuebingen
Classification: Uncertain significance. Last evaluated: 2024-08-01. Review status: criteria provided, single submitter. Criteria: CeGaT Center For Human Genetics Tuebingen Variant Classification Criteria Version 2. Collection method: clinical testing. Allele origin: germline. Affected: yes. Observed: 1 variant allele.
Comment: APOB: PM2, BP4

Labcorp Genetics (formerly Invitae), Labcorp
Classification: Uncertain significance for Familial hypobetalipoproteinemia 1; Hypercholesterolemia, autosomal dominant, type B. Last evaluated: 2021-11-16. Review status: criteria provided, single submitter. Criteria: Invitae Variant Classification Sherloc (09022015). Collection method: clinical testing. Allele origin: germline.
Comment: This sequence change replaces glycine, which is neutral and non-polar, with aspartic acid, which is acidic and polar, at codon 729 of the APOB protein (p.Gly729Asp). This variant is not present in population databases (gnomAD no frequency). This variant has not been reported in the literature in individuals affected with APOB-related conditions. Algorithms developed to predict the effect of missense changes on protein structure and function (SIFT, PolyPhen-2, Align-GVGD) all suggest that this variant is likely to be tolerated. In summary, the available evidence is currently insufficient to determine the role of this variant in disease. Therefore, it has been classified as a Variant of Uncertain Significance.